The following is an entry in ClinVar:

NM_001081.4(CUBN):c.517G>A (p.Glu173Lys)

Gene: CUBN (cubilin; minus strand). Cytogenetic location: 10p13.
Variant type: single nucleotide variant.
Coding change: c.517G>A on transcript NM_001081.4 (MANE Select); coding-DNA position 517, G replaced by A.
Protein change: p.Glu173Lys; replaces glutamic acid 173 with lysine.
Molecular consequence: missense variant.
Genome position (GRCh38, 1-based): chr10:17,122,871, C>T on the plus strand (G>A on the coding strand, the complement: CUBN is on the minus strand). VCF-style: chr10-17122871-C-T. GRCh37 (hg19) VCF-style: chr10-17164870-C-T.
Other names: short protein forms E173K.
Identifiers: ClinVar variation 2416199 (VCV002416199.6), dbSNP rs376029023, ClinGen allele CA5425621.

ClinVar aggregate classification (germline): Uncertain significance (1 of 4 stars; one submission).

Conditions:
Imerslund-Grasbeck syndrome. Also called: Megaloblastic anemia due to inborn errors of metabolism; Imerslund-Gräsbeck syndrome; ENTEROCYTE COBALAMIN MALABSORPTION; ENTEROCYTE INTRINSIC FACTOR RECEPTOR, DEFECT OF; PERNICIOUS ANEMIA, JUVENILE, DUE TO SELECTIVE INTESTINAL MALABSORPTION OF VITAMIN B12, WITH PROTEINURIA. Identifiers: Orphanet 35858, MedGen C4551825, MONDO:0009853.

Allele frequency attached by ClinVar (database versions not stated): gnomAD 0.00001; gnomAD exomes 0.00001; TOPMed 0.00002; ExAC 0.00003; ESP Exome Variant Server 0.00008.
gnomAD v4.1: 24 of 1,613,580 alleles (0.0015%); highest among the groups gnomAD compares: Non-Finnish European, 0.0018%; no homozygotes.

Submission:

Labcorp Genetics (formerly Invitae), Labcorp
Classification: Uncertain significance for Imerslund-Grasbeck syndrome. Last evaluated: 2026-01-12. Review status: criteria provided, single submitter. Criteria: Invitae Variant Classification Sherloc (09022015). Collection method: clinical testing. Allele origin: germline.
Comment: This sequence change replaces glutamic acid, which is acidic and polar, with lysine, which is basic and polar, at codon 173 of the CUBN protein (p.Glu173Lys). This variant is present in population databases (rs376029023, gnomAD 0.004%). This variant has not been reported in the literature in individuals affected with CUBN-related conditions. ClinVar contains an entry for this variant (Variation ID: 2416199). Invitae Evidence Modeling of protein sequence and biophysical properties (such as structural, functional, and spatial information, amino acid conservation, physicochemical variation, residue mobility, and thermodynamic stability) indicates that this missense variant is expected to disrupt CUBN protein function with a positive predictive value of 80%. In summary, the available evidence is currently insufficient to determine the role of this variant in disease. Therefore, it has been classified as a Variant of Uncertain Significance.